The following is an entry in ClinVar:

ClinVar aggregate classification (germline): Uncertain significance. Review status: criteria provided, multiple submitters, no conflicts (2 of 4 stars). 2 submissions from 2 submitters: Uncertain significance (2). Last evaluated 2024-01-08.

Allele frequency attached by ClinVar (database versions not stated): gnomAD 0.00001 and 0.00002; TOPMed 0.00004; gnomAD exomes 0.00015; 1000 Genomes Project 0.00020; 1000 Genomes Project 30x 0.00047.

Submissions (2):

Labcorp Genetics (formerly Invitae), Labcorp
Classification: Uncertain significance. Last evaluated: 2024-01-08. Review status: criteria provided, single submitter. Criteria: Invitae Variant Classification Sherloc (09022015). Collection method: clinical testing. Allele origin: germline.
Comment: This sequence change replaces alanine, which is neutral and non-polar, with glutamic acid, which is acidic and polar, at codon 91 of the RGS9BP protein (p.Ala91Glu). This variant is present in population databases (rs142538566, gnomAD 0.08%). This variant has not been reported in the literature in individuals affected with RGS9BP-related conditions. ClinVar contains an entry for this variant (Variation ID: 1008554). An algorithm developed to predict the effect of missense changes on protein structure and function (PolyPhen-2) suggests that this variant is likely to be disruptive. In summary, the available evidence is currently insufficient to determine the role of this variant in disease. Therefore, it has been classified as a Variant of Uncertain Significance.

Ambry Genetics
Classification: Uncertain significance. Last evaluated: 2022-11-30. Review status: criteria provided, single submitter. Criteria: Ambry Variant Classification Scheme 2023. Collection method: clinical testing. Allele origin: germline.

NM_207391.3(RGS9BP):c.272C>A (p.Ala91Glu)

Genes: RGS9BP (regulator of G protein signaling 9 binding protein; plus strand), LOC130064161 (ATAC-STARR-seq lymphoblastoid active region 14432; plus strand). Cytogenetic location: 19q13.11.
Variant type: single nucleotide variant.
Coding change: c.272C>A on transcript NM_207391.3 (MANE Select); coding-DNA position 272, C replaced by A.
Protein change: p.Ala91Glu; replaces alanine 91 with glutamic acid.
Molecular consequence: missense variant.
Genome position (GRCh38, 1-based): chr19:32,676,535, C>A. VCF-style: chr19-32676535-C-A. GRCh37 (hg19) VCF-style: chr19-33167441-C-A.
Other names: c.272C>A (NM_207391.2); short protein forms A91E.
Identifiers: ClinVar variation 1008554 (VCV001008554.10), dbSNP rs142538566, ClinGen allele CA307486225.